The following is an entry in ClinVar:

NM_000426.4(LAMA2):c.2719G>T (p.Gly907Ter)

Gene: LAMA2 (laminin subunit alpha 2; plus strand). Cytogenetic location: 6q22.33.
Variant type: single nucleotide variant.
Coding change: c.2719G>T on transcript NM_000426.4 (MANE Select); coding-DNA position 2719, G replaced by T.
Protein change: p.Gly907Ter; replaces glycine 907 with a stop codon.
Molecular consequence: nonsense.
Genome position (GRCh38, 1-based): chr6:129,288,028, G>T. VCF-style: chr6-129288028-G-T. GRCh37 (hg19) VCF-style: chr6-129609173-G-T.
Other names: c.2719G>T, p.Gly907Ter (NM_001079823.2); short protein forms G907*.
Identifiers: ClinVar variation 983631 (VCV000983631.4), dbSNP rs1789399872, ClinGen allele CA365610143.

ClinVar aggregate classification (germline): Likely pathogenic (1 of 4 stars; one submission).

Conditions:
LAMA2-related muscular dystrophy (LAMA2-RD). Also called: Laminin alpha 2-related dystrophy. Identifiers: MedGen C5679788, MONDO:0100228.

Submission:

Myriad Genetics, Inc.
Classification: Likely pathogenic for LAMA2-related muscular dystrophy. Last evaluated: 2019-11-21. Review status: criteria provided, single submitter. Criteria: Myriad Autosomal Dominant, Autosomal Recessive and X-Linked Classification Criteria (2023). Collection method: clinical testing. Allele origin: unknown.
Comment: NM_000426.3(LAMA2):c.2719G>T(G907*) is expected to be pathogenic in the context of LAMA2-related muscular dystrophy. This variant is predicted to lead to an abnormal or absent protein product due to the creation of a premature termination codon in LAMA2, a gene where loss-of-function variants are known to be pathogenic. Please note: this variant was assessed in the context of healthy population screening.